The following is an entry in ClinVar:

NM_005502.4(ABCA1):c.1477C>G (p.Gln493Glu)

Gene: ABCA1 (ATP binding cassette subfamily A member 1; minus strand). Cytogenetic location: 9q31.1.
Variant type: single nucleotide variant.
Coding change: c.1477C>G on transcript NM_005502.4 (MANE Select); coding-DNA position 1477, C replaced by G.
Protein change: p.Gln493Glu; replaces glutamine 493 with glutamic acid.
Molecular consequence: missense variant.
Genome position (GRCh38, 1-based): chr9:104,832,606, G>C on the plus strand (C>G on the coding strand, the complement: ABCA1 is on the minus strand). VCF-style: chr9-104832606-G-C. GRCh37 (hg19) VCF-style: chr9-107594887-G-C.
Other names: short protein forms Q493E.
Identifiers: ClinVar variation 2454031 (VCV002454031.2), dbSNP rs2538182777, ClinGen allele CA374325407.

ClinVar aggregate classification (germline): Uncertain significance (1 of 4 stars; one submission).

Conditions:
Cardiovascular phenotype. Identifiers: MedGen CN230736.

Submission:

Ambry Genetics
Classification: Uncertain significance for Cardiovascular phenotype. Last evaluated: 2022-11-07. Review status: criteria provided, single submitter. Criteria: Ambry Variant Classification Scheme 2023. Collection method: clinical testing. Allele origin: germline.
Comment: The p.Q493E variant (also known as c.1477C>G), located in coding exon 11 of the ABCA1 gene, results from a C to G substitution at nucleotide position 1477. The glutamine at codon 493 is replaced by glutamic acid, an amino acid with highly similar properties. This amino acid position is conserved. In addition, this alteration is predicted to be tolerated by in silico analysis. Since supporting evidence is limited at this time, the clinical significance of this alteration remains unclear.